The following is an entry in ClinVar:

NM_000781.3(CYP11A1):c.1237-10del

Gene: CYP11A1 (cytochrome P450 family 11 subfamily A member 1; minus strand). Cytogenetic location: 15q24.1.
Variant type: Deletion.
Coding change: c.1237-10del on transcript NM_000781.3 (MANE Select); 10 bases into the intron before coding-DNA position 1237, one base deleted (C; older notation c.1237-10delC).
Molecular consequence: intron variant.
Genome position (GRCh38, 1-based): chr15:74,338,778, G deleted on the plus strand (C on the coding strand, the reverse complement: CYP11A1 is on the minus strand); the first of 2 consecutive G bases (chr15:74,338,778-74,338,779); deleting either gives the same sequence. VCF-style (leftmost placement, unchanged base first): chr15-74338777-AG-A. GRCh37 (hg19) VCF-style: chr15-74631118-AG-A.
Other names: c.763-10del (NM_001099773.2).
Identifiers: ClinVar variation 3038679 (VCV003038679.2), dbSNP rs2548329178, ClinGen allele CA2740096732.
Genomic context (GRCh38, chr15:74,338,777, plus strand): 5'-AGAAGAAGGTGGGCTCTCGGCCCAGAGCATAGATGGCCACTTGCACCAGTGTCTGGGGCA[AG>A]GTGATCAGAGGCCTGAGTAAGCCCCACTTCCCCACAGCCCTGAGCACAAAACCCCCTTCC-3'

ClinVar aggregate classification (germline): Likely benign (0 of 4 stars; one submission).

Conditions:
CYP11A1-related disorder. Also called: CYP11A1-related condition.

Submission:

PreventionGenetics, part of Exact Sciences
Classification: Likely benign for CYP11A1-related condition. Last evaluated: 2022-02-14. Review status: no assertion criteria provided. Collection method: clinical testing. Allele origin: germline.
Comment: This variant is classified as likely benign based on ACMG/AMP sequence variant interpretation guidelines (Richards et al. 2015 PMID: 25741868, with internal and published modifications).